The following is an entry in ClinVar:

NM_001009944.3(PKD1):c.11713-11G>C

Gene: PKD1 (polycystin 1, transient receptor potential channel interacting; minus strand). Cytogenetic location: 16p13.3.
Variant type: single nucleotide variant.
Coding change: c.11713-11G>C on transcript NM_001009944.3 (MANE Select); 11 bases into the intron before coding-DNA position 11713, G replaced by C.
Molecular consequence: intron variant.
Genome position (GRCh38, 1-based): chr16:2,091,185, C>G on the plus strand (G>C on the coding strand, the complement: PKD1 is on the minus strand). VCF-style: chr16-2091185-C-G. GRCh37 (hg19) VCF-style: chr16-2141186-C-G.
Other names: c.11710-11G>C (NM_000296.4).
Identifiers: ClinVar variation 4985787 (VCV004985787.1).

ClinVar aggregate classification (germline): Likely benign (1 of 4 stars; one submission).

Conditions:
PKD1-related disorder. Also called: PKD1-related condition.

gnomAD v4.1: 6 of 1,361,920 alleles (0.00044%); highest among the groups gnomAD compares: Non-Finnish European, 0.00056%; no homozygotes.

Submission:

PreventionGenetics, part of Exact Sciences
Classification: Likely benign for PKD1-related condition. Last evaluated: 2025-11-17. Review status: criteria provided, single submitter. Criteria: ACMG Guidelines, 2015. Collection method: clinical testing. Allele origin: germline.
Comment: This variant is classified as likely benign based on ACMG/AMP sequence variant interpretation guidelines (Richards et al. 2015 PMID: 25741868, with internal and published modifications).